The following is an entry in ClinVar:

ClinVar aggregate classification (germline): Uncertain significance. Review status: criteria provided, multiple submitters, no conflicts (2 of 4 stars). 3 submissions from 3 submitters: Uncertain significance (3). Last evaluated 2024-01-12.

Conditions:
Fanconi anemia (FA). Also called: Fanconi's anemia. Identifiers: Orphanet 84, MedGen C0015625, MeSH D005199, MONDO:0019391.
Inborn genetic diseases. Identifiers: MedGen C0950123, MeSH D030342.

Allele frequency attached by ClinVar (database versions not stated): gnomAD exomes below 0.00001; TOPMed below 0.00001.
gnomAD v4.1: 6 of 1,613,918 alleles (0.00037%); highest among the groups gnomAD compares: Non-Finnish European, 0.00051%; no homozygotes.

Submissions (3):

Ambry Genetics
Classification: Uncertain significance for Inborn genetic diseases. Last evaluated: 2024-01-12. Review status: criteria provided, single submitter. Criteria: Ambry Variant Classification Scheme 2023. Collection method: clinical testing. Allele origin: germline.

Labcorp Genetics (formerly Invitae), Labcorp
Classification: Uncertain significance for Fanconi anemia. Last evaluated: 2022-07-06. Review status: criteria provided, single submitter. Criteria: Invitae Variant Classification Sherloc (09022015). Collection method: clinical testing. Allele origin: germline.
Comment: This sequence change replaces glutamine, which is neutral and polar, with arginine, which is basic and polar, at codon 494 of the FANCI protein (p.Gln494Arg). This variant is not present in population databases (gnomAD no frequency). This variant has not been reported in the literature in individuals affected with FANCI-related conditions. ClinVar contains an entry for this variant (Variation ID: 1337341). Algorithms developed to predict the effect of missense changes on protein structure and function output the following: SIFT: "Tolerated"; PolyPhen-2: "Benign"; Align-GVGD: "Class C0". The arginine amino acid residue is found in multiple mammalian species, which suggests that this missense change does not adversely affect protein function. Algorithms developed to predict the effect of sequence changes on RNA splicing suggest that this variant may disrupt the consensus splice site. In summary, the available evidence is currently insufficient to determine the role of this variant in disease. Therefore, it has been classified as a Variant of Uncertain Significance.

Genetic Services Laboratory, University of Chicago
Classification: Uncertain significance. Last evaluated: 2019-08-27. Review status: criteria provided, single submitter. Criteria: ACMG Guidelines, 2015. Collection method: clinical testing. Allele origin: germline. Affected: no.

NM_001113378.2(FANCI):c.1481A>G (p.Gln494Arg)

Gene: FANCI (FA complementation group I; plus strand). Cytogenetic location: 15q26.1.
Variant type: single nucleotide variant.
Coding change: c.1481A>G on transcript NM_001113378.2 (MANE Select); coding-DNA position 1481, A replaced by G.
Protein change: p.Gln494Arg; replaces glutamine 494 with arginine.
Molecular consequence: missense variant.
Genome position (GRCh38, 1-based): chr15:89,281,269, A>G. VCF-style: chr15-89281269-A-G. GRCh37 (hg19) VCF-style: chr15-89824500-A-G.
Other names: c.1202A>G, p.Gln401Arg (NM_001376910.1); c.1481A>G, p.Gln494Arg (NM_001376911.1, NM_018193.3); short protein forms Q401R, Q494R.
Identifiers: ClinVar variation 1337341 (VCV001337341.7), dbSNP rs1214081735, ClinGen allele CA393743863.
Genomic context (GRCh38, chr15:89,281,269, plus strand): 5'-TTCAAAGTTGTTCTTCTAAAGTCACAGAAGCTTTTGACTATTTGTCCTTTCTGCCCCTTC[A>G]GACTGTACAAAGGCTGCTTAAGGCAGTGCAGGTAAGTCTTCAGATTCCCAAGTAACTTGC-3'
Protein context (NP_001106849.1, residues 484-504): AFDYLSFLPL[Gln494Arg]TVQRLLKAVQ